The following is an entry in ClinVar:

ClinVar aggregate classification (germline): Uncertain significance (1 of 4 stars; one submission).

Submission:

GeneDx
Classification: Uncertain significance. Last evaluated: 2025-08-13. Review status: criteria provided, single submitter. Criteria: GeneDx Variant Classification Process June 2021. Collection method: clinical testing. Allele origin: germline. Affected: yes.
Comment: Not observed at significant frequency in large population cohorts (gnomAD); In silico analysis supports that this missense variant has a deleterious effect on protein structure/function; Has not been previously published as pathogenic or benign to our knowledge

NM_004380.3(CREBBP):c.1340G>A (p.Gly447Glu)

Gene: CREBBP (CREB binding lysine acetyltransferase; minus strand). Cytogenetic location: 16p13.3.
Variant type: single nucleotide variant.
Coding change: c.1340G>A on transcript NM_004380.3 (MANE Select); coding-DNA position 1340, G replaced by A.
Protein change: p.Gly447Glu; replaces glycine 447 with glutamic acid.
Molecular consequence: missense variant.
Genome position (GRCh38, 1-based): chr16:3,782,917, C>T on the plus strand (G>A on the coding strand, the complement: CREBBP is on the minus strand). VCF-style: chr16-3782917-C-T. GRCh37 (hg19) VCF-style: chr16-3832918-C-T.
Other names: c.1226G>A, p.Gly409Glu (NM_001079846.1); short protein forms G447E, G409E.
Identifiers: ClinVar variation 4795310 (VCV004795310.1).